The following is an entry in ClinVar:

NM_032387.5(WNK4):c.2296-13_2297del

Gene: WNK4 (WNK lysine deficient protein kinase 4; plus strand). Cytogenetic location: 17q21.2.
Variant type: Deletion.
Coding change: c.2296-13_2297del on transcript NM_032387.5 (MANE Select); 13 bases into the intron before coding-DNA position 2296 through coding-DNA position 2297, 15 bases deleted (TTTTCTGCCTCAGGA).
Molecular consequence: splice acceptor variant.
Genome position (GRCh38, 1-based): chr17:42,794,601-42,794,615, TTTTCTGCCTCAGGA deleted. VCF-style (leftmost placement, unchanged base first): chr17-42794600-TTTTTCTGCCTCAGGA-T. GRCh37 (hg19) VCF-style: chr17-40946618-TTTTTCTGCCTCAGGA-T.
Other names: c.1288-13_1289del (NM_001321299.2).
Identifiers: ClinVar variation 4851343 (VCV004851343.1).

ClinVar aggregate classification (germline): Likely benign (1 of 4 stars; one submission).

Conditions:
Pseudohypoaldosteronism type 2B (PHA2B). Also called: Pseudohypoaldosteronism Type IIB. Identifiers: Orphanet 757, Orphanet 88939, MedGen C1840390, MONDO:0013777, OMIM 614491.

Submission:

Centre for Medical Genetics,  Mumbai
Classification: Likely benign for Pseudohypoaldosteronism type 2B. Last evaluated: 2026-04-09. Review status: criteria provided, single submitter. Criteria: ACMG Guidelines, 2015. Collection method: provider interpretation. Allele origin: germline. Inheritance: Autosomal dominant inheritance. Affected: no. Observed: 1 variant allele, 1 heterozygote.
Comment: The variant satisfies PVS1 criteria - null variant in a gene where loss of function is a known mechanism of disease. The variant satisfies PM2 criteria - extremely low frequency in gnomAD population databases. However, the variant satisfies BS2 criteria - present in heterozygous state in an individual that clinically does not have pseudohypoaldosteronism.

Literature cited by the submitters: PubMed 11498583.